The following is an entry in ClinVar:

ClinVar aggregate classification (germline): Pathogenic. Review status: criteria provided, multiple submitters, no conflicts (2 of 4 stars). 7 submissions from 7 submitters: Pathogenic (6). 1 of the submissions does not count toward it. Last evaluated 2025-07-07.

Conditions:
Retinitis pigmentosa (RP). Identifiers: Orphanet 791, MedGen C0035334, MeSH D012174, MONDO:0019200, OMIM 268000. Inheritance: Autosomal dominant, autosomal recessive and X linked inheritance.
CERKL-related disorders.
Retinitis pigmentosa 26 (RP26). Identifiers: Orphanet 791, MedGen C1842127, MONDO:0012024, OMIM 608380.

Allele frequency attached by ClinVar (database versions not stated): ExAC 0.00001; gnomAD 0.00001; TOPMed 0.00001; gnomAD exomes 0.00002 and 0.00005.

Submissions (7):

Natera, Inc.
Classification: Pathogenic for Retinitis Pigmentosa 26. Last evaluated: 2025-07-07. Review status: criteria provided, single submitter. Criteria: Natera Variant Classification Schema (03/2026). Collection method: clinical testing. Allele origin: germline.
Comment: The c.858delT variant in CERKL is a frameshift variant predicted to shift the reading frame beginning at codon 287 and leads to a stop codon 10 codons downstream. This variant is expected to result in nonsense mediated decay, truncation, or a dysfunctional protein product. This variant is rare in the general population with a frequency below the threshold expected for the associated phenotype(s). This variant has been observed in one or more individuals affected with the associated recessive disease, as either homozygous or compound heterozygous with a second variant (PMID: 34662339). Given the available evidence, this variant is classified as Pathogenic.

Blueprint Genetics
Classification: Pathogenic for CERKL-related disorders. Last evaluated: 2024-05-28. Review status: criteria provided, single submitter. Criteria: ACMG Guidelines, 2015. Collection method: clinical testing. Allele origin: germline. Affected: yes. Observed: 4 variant alleles.

Baylor Genetics
Classification: Pathogenic for Retinitis pigmentosa 26. Last evaluated: 2024-03-20. Review status: criteria provided, single submitter. Criteria: ACMG Guidelines, 2015. Collection method: clinical testing. Allele origin: unknown.

Fulgent Genetics
Classification: Pathogenic for Retinitis pigmentosa 26. Last evaluated: 2024-03-18. Review status: criteria provided, single submitter. Criteria: ACMG Guidelines, 2015. Collection method: clinical testing. Allele origin: germline.

Labcorp Genetics (formerly Invitae), Labcorp
Classification: Pathogenic. Last evaluated: 2024-03-05. Review status: criteria provided, single submitter. Criteria: Invitae Variant Classification Sherloc (09022015). Collection method: clinical testing. Allele origin: germline.
Comment: This sequence change creates a premature translational stop signal (p.Pro287Leufs*10) in the CERKL gene. It is expected to result in an absent or disrupted protein product. Loss-of-function variants in CERKL are known to be pathogenic (PMID: 14681825, 23591405, 24043777). This variant is present in population databases (rs398122964, gnomAD 0.007%). This premature translational stop signal has been observed in individuals with retinitis pigmentosa and retinal dystrophy (PMID: 24043777, 28341476). This variant is also known as c.780delT. ClinVar contains an entry for this variant (Variation ID: 91394). For these reasons, this variant has been classified as Pathogenic.

Broad Center for Mendelian Genomics, Broad Institute of MIT and Harvard
Classification: Pathogenic for Retinitis pigmentosa. Last evaluated: 2021-04-01. Review status: criteria provided, single submitter. Criteria: ACMG Guidelines, 2015. Collection method: curation. Allele origin: germline. Inheritance: Autosomal recessive inheritance. Affected: yes.
Comment: Through a review of available evidence we were able to apply the following criteria: PVS1, PM2, PM3-P. Based on this evidence we have classified this variant as Pathogenic. If you have any questions about the classification please reach out to the Pierce Lab.

OMIM
Classification: Pathogenic for RETINITIS PIGMENTOSA 26. Last evaluated: 2013-10-01. Review status: no assertion criteria provided. Collection method: literature only. Allele origin: germline. Not counted in ClinVar's aggregate classification.

Literature cited by the submitters: PubMed 34662339 (cited by Natera, Inc.); PubMed 14681825 (cited by Labcorp Genetics (formerly Invitae), Labcorp); PubMed 23591405 (cited by Labcorp Genetics (formerly Invitae), Labcorp); PubMed 24043777 (cited by 3 submitters); PubMed 28341476 (cited by Labcorp Genetics (formerly Invitae), Labcorp and Broad Center for Mendelian Genomics, Broad Institute of MIT and Harvard); PubMed 34906470 (cited by Broad Center for Mendelian Genomics, Broad Institute of MIT and Harvard).

NM_201548.5(CERKL):c.780del (p.Pro261fs)

Gene: CERKL (CERK like autophagy regulator; minus strand). Cytogenetic location: 2q31.3.
Variant type: Deletion.
Coding change: c.780del on transcript NM_201548.5 (MANE Select); coding-DNA position 780, one base deleted (T; older notation c.780delT).
Protein change: p.Pro261fs; shifts the reading frame from proline 261.
Molecular consequence: frameshift variant. On other transcripts: non-coding transcript variant (2), intron variant (2).
Genome position (GRCh38, 1-based): chr2:181,558,606, A deleted on the plus strand (T on the coding strand, the reverse complement: CERKL is on the minus strand). VCF-style (leftmost placement, unchanged base first): chr2-181558605-GA-G. GRCh37 (hg19) VCF-style: chr2-182423332-GA-G.
Other names: c.858delT (NM_001030311.2); c.858del, p.Pro287fs (NM_001030311.3); c.726del, p.Pro243fs (NM_001160277.2); c.482-8898del (NM_001030312.3); c.614-8898del (NM_001030313.3); short protein forms P261fs, P243fs, P287fs.
Identifiers: ClinVar variation 91394 (VCV000091394.19), dbSNP rs398122964, ClinGen allele CA266219.